The following is an entry in ClinVar:

ClinVar aggregate classification (germline): Uncertain significance (1 of 4 stars; one submission).

Submission:

Labcorp Genetics (formerly Invitae), Labcorp
Classification: Uncertain significance. Last evaluated: 2021-10-12. Review status: criteria provided, single submitter. Criteria: Invitae Variant Classification Sherloc (09022015). Collection method: clinical testing. Allele origin: germline.
Comment: In summary, the available evidence is currently insufficient to determine the role of this variant in disease. Therefore, it has been classified as a Variant of Uncertain Significance. Algorithms developed to predict the effect of missense changes on protein structure and function (SIFT, PolyPhen-2, Align-GVGD) all suggest that this variant is likely to be tolerated. This variant has not been reported in the literature in individuals affected with KPNA7-related conditions. This variant is not present in population databases (ExAC no frequency). This sequence change replaces alanine with threonine at codon 67 of the KPNA7 protein (p.Ala67Thr). The alanine residue is weakly conserved and there is a small physicochemical difference between alanine and threonine.

NM_001145715.3(KPNA7):c.199G>A (p.Ala67Thr)

Gene: KPNA7 (karyopherin subunit alpha 7; minus strand). Cytogenetic location: 7q22.1.
Variant type: single nucleotide variant.
Coding change: c.199G>A on transcript NM_001145715.3 (MANE Select); coding-DNA position 199, G replaced by A.
Protein change: p.Ala67Thr; replaces alanine 67 with threonine.
Molecular consequence: missense variant.
Genome position (GRCh38, 1-based): chr7:99,203,108, C>T on the plus strand (G>A on the coding strand, the complement: KPNA7 is on the minus strand). VCF-style: chr7-99203108-C-T. GRCh37 (hg19) VCF-style: chr7-98800731-C-T.
Other names: short protein forms A67T.
Identifiers: ClinVar variation 1496228 (VCV001496228.6), dbSNP rs2150768965, ClinGen allele CA368421099.